The following is an entry in ClinVar:

ClinVar aggregate classification (germline): Likely benign (1 of 4 stars; one submission).

Submission:

CeGaT Center for Human Genetics Tuebingen
Classification: Likely benign. Last evaluated: 2023-03-01. Review status: criteria provided, single submitter. Criteria: CeGaT Center For Human Genetics Tuebingen Variant Classification Criteria Version 2. Collection method: clinical testing. Allele origin: germline. Affected: yes. Observed: 1 variant allele.
Comment: KIAA0753: PM2:Supporting, BP4, BP7

NM_014804.3(KIAA0753):c.2781T>A (p.Ala927=)

Gene: KIAA0753 (KIAA0753; minus strand). Cytogenetic location: 17p13.1.
Variant type: single nucleotide variant.
Coding change: c.2781T>A on transcript NM_014804.3 (MANE Select); coding-DNA position 2781, T replaced by A.
Protein change: p.Ala927=; no amino-acid change (alanine 927 retained).
Molecular consequence: synonymous variant. On other transcripts: non-coding transcript variant (3).
Genome position (GRCh38, 1-based): chr17:6,589,784, A>T on the plus strand (T>A on the coding strand, the complement: KIAA0753 is on the minus strand). VCF-style: chr17-6589784-A-T. GRCh37 (hg19) VCF-style: chr17-6493104-A-T.
Other names: c.1884T>A, p.Ala628= (NM_001351225.2).
Identifiers: ClinVar variation 2647313 (VCV002647313.24), dbSNP rs1968856152, ClinGen allele CA497585704.
Genomic context (GRCh38, chr17:6,589,784, plus strand): 5'-AGTCTAAAATTTTGCAATTTGGTTCCTAAACAGAGGACCGTAACATTTTACTGACCTTTC[A>T]GCTATCAGCCACGGGTTGAAGGAGCCTACAGCCTCATGAGATATGATCCGAAGGTACTGC-3'
Protein context (NP_055619.2, residues 917-937): AVGSFNPWLI[Ala927=]ESFSEELVDE